The following is an entry in ClinVar:

NM_020911.2(PLXNA4):c.2116C>A (p.Arg706=)

Gene: PLXNA4 (plexin A4; minus strand). Cytogenetic location: 7q32.3.
Variant type: single nucleotide variant.
Coding change: c.2116C>A on transcript NM_020911.2 (MANE Select); coding-DNA position 2116, C replaced by A.
Protein change: p.Arg706=; no amino-acid change (arginine 706 retained).
Molecular consequence: synonymous variant.
Genome position (GRCh38, 1-based): chr7:132,211,125, G>T on the plus strand (C>A on the coding strand, the complement: PLXNA4 is on the minus strand). VCF-style: chr7-132211125-G-T. GRCh37 (hg19) VCF-style: chr7-131895884-G-T.
Other names: c.2116C>A, p.Arg706= (NM_001393897.1).
Identifiers: ClinVar variation 3345117 (VCV003345117.1).
Genomic context (GRCh38, chr7:132,211,125, plus strand): 5'-TCTTGGCCTTCAGCGTGATAGGCTTGATCACCTCCACGGGCACCAGGATCTTGTCCACTC[G>T]CAGCAGCTGGGGGCAGTCCTGGGGACAGAGGGCATGGCTCAGGCTGGGCAGCCAGGAAAC-3'
Protein context (NP_065962.1, residues 696-716): KLPEDCPQLL[Arg706=]VDKILVPVEV

ClinVar aggregate classification (germline): Likely benign (0 of 4 stars; one submission).

Conditions:
PLXNA4-related disorder. Also called: PLXNA4-related condition.

gnomAD v4.1: 1 of 1,561,866 alleles (0.000064%); highest among the groups gnomAD compares: Non-Finnish European, 0.000087%; no homozygotes.

Submission:

PreventionGenetics, part of Exact Sciences
Classification: Likely benign for PLXNA4-related condition. Last evaluated: 2024-07-25. Review status: no assertion criteria provided. Collection method: clinical testing. Allele origin: germline.
Comment: This variant is classified as likely benign based on ACMG/AMP sequence variant interpretation guidelines (Richards et al. 2015 PMID: 25741868, with internal and published modifications).